The following is an entry in ClinVar:

NM_000245.4(MET):c.3786C>G (p.Thr1262=)

Gene: MET (MET proto-oncogene, receptor tyrosine kinase; plus strand). Cytogenetic location: 7q31.2.
Variant type: single nucleotide variant.
Coding change: c.3786C>G on transcript NM_000245.4 (MANE Select); coding-DNA position 3786, C replaced by G.
Protein change: p.Thr1262=; no amino-acid change (threonine 1262 retained).
Molecular consequence: synonymous variant.
Genome position (GRCh38, 1-based): chr7:116,783,457, C>G. VCF-style: chr7-116783457-C-G. GRCh37 (hg19) VCF-style: chr7-116423511-C-G.
Other names: c.3840C>G, p.Thr1280= (NM_001127500.3); c.2496C>G, p.Thr832= (NM_001324402.2).
Identifiers: ClinVar variation 3907711 (VCV003907711.1).

ClinVar aggregate classification (germline): Uncertain significance (1 of 4 stars; one submission).

Submission:

GeneDx
Classification: Uncertain significance. Last evaluated: 2024-12-31. Review status: criteria provided, single submitter. Criteria: GeneDx Variant Classification Process June 2021. Collection method: clinical testing. Allele origin: germline. Affected: yes.
Comment: Not observed at significant frequency in large population cohorts (gnomAD); In silico analysis indicates that this variant does not alter splicing; Has not been previously published as pathogenic or benign to our knowledge